The following is an entry in ClinVar:

ClinVar aggregate classification (germline): Benign (1 of 4 stars; one submission).

Conditions:
Cataract 14 multiple types. Also called: CATARACT 14, ZONULAR PULVERULENT; CATARACT 14, NUCLEAR PULVERULENT; CATARACT 14, NUCLEAR PULVERULENT AND POSTERIOR POLAR; CATARACT 14, NUCLEAR CORALLIFORM; CATARACT 14, EMBRYONAL NUCLEAR; CATARACT 14, COPPOCK-LIKE. Identifiers: Orphanet 91492, MedGen C1866078, MONDO:0011162, OMIM 601885.

Allele frequency attached by ClinVar (database versions not stated): gnomAD 0.00492 and 0.00529; 1000 Genomes Project 30x 0.00500; 1000 Genomes Project 0.00479; TOPMed 0.00591.

Submission:

Illumina Laboratory Services, Illumina
Classification: Benign for Cataract 14 multiple types. Last evaluated: 2018-01-13. Review status: criteria provided, single submitter. Criteria: ICSL Variant Classification Criteria 13 December 2019. Collection method: clinical testing. Allele origin: germline.
Comment: This variant was observed in the ICSL laboratory as part of a predisposition screen in an ostensibly healthy population. It had not been previously curated by ICSL or reported in the Human Gene Mutation Database (HGMD: prior to June 1st, 2018), and was therefore a candidate for classification through an automated scoring system. Utilizing variant allele frequency, disease prevalence and penetrance estimates, and inheritance mode, an automated score was calculated to assess if this variant is too frequent to cause the disease. Based on the score and internal cut-off values, a variant classified as benign is not then subjected to further curation. The score for this variant resulted in a classification of benign for this disease.

NM_021954.4(GJA3):c.*2416A>G

Gene: GJA3 (gap junction protein alpha 3; minus strand). Cytogenetic location: 13q12.11.
Variant type: single nucleotide variant.
Coding change: c.*2416A>G on transcript NM_021954.4 (MANE Select); 2416 bases downstream of the stop codon, A replaced by G.
Molecular consequence: 3 prime UTR variant.
Genome position (GRCh38, 1-based): chr13:20,139,565, T>C on the plus strand (A>G on the coding strand, the complement: GJA3 is on the minus strand). VCF-style: chr13-20139565-T-C. GRCh37 (hg19) VCF-style: chr13-20713704-T-C.
Identifiers: ClinVar variation 311299 (VCV000311299.5), dbSNP rs138134157, ClinGen allele CA10633947.